The following is an entry in ClinVar:

NM_014712.3(SETD1A):c.1939C>G (p.Pro647Ala)

Gene: SETD1A (SET domain containing 1A, histone lysine methyltransferase; plus strand). Cytogenetic location: 16p11.2.
Variant type: single nucleotide variant.
Coding change: c.1939C>G on transcript NM_014712.3 (MANE Select); coding-DNA position 1939, C replaced by G.
Protein change: p.Pro647Ala; replaces proline 647 with alanine.
Molecular consequence: missense variant.
Genome position (GRCh38, 1-based): chr16:30,965,820, C>G. VCF-style: chr16-30965820-C-G. GRCh37 (hg19) VCF-style: chr16-30977141-C-G.
Other names: short protein forms P647A.
Identifiers: ClinVar variation 2499476 (VCV002499476.3), dbSNP rs929402224, ClinGen allele CA280580703.

ClinVar aggregate classification (germline): Uncertain significance (1 of 4 stars; one submission).

Conditions:
Epilepsy, early-onset, with or without developmental delay. Identifiers: MedGen C5882670, MONDO:0030005, OMIM 618832.

Allele frequency attached by ClinVar (database versions not stated): TOPMed 0.00001.

Submission:

Institute of Human Genetics, University of Goettingen
Classification: Uncertain significance for Epilepsy, early-onset, with or without developmental delay. Last evaluated: 2023-04-18. Review status: criteria provided, single submitter. Criteria: ACMG Guidelines, 2015. Collection method: clinical testing. Allele origin: unknown. Inheritance: Autosomal dominant inheritance. Observed: 1 heterozygote.
Comment: The variant c.1939C>G (p.(Pro647Ala)) in exon 8 of the SETD1A-gene is not found in the gnomAD database, it affects a moderately conserved nucleotide, a highly conserved amino acid and there is a small physicochemical difference between Pro and Ala. This variant has a benign computational verdict based on in silico prediction algorithms. ACMG criteria used for classification: PM2, BP4.